The following is an entry in ClinVar:

ClinVar aggregate classification (germline): Conflicting classifications of pathogenicity. Review status: criteria provided, conflicting classifications (1 of 4 stars). 18 submissions from 18 submitters: Pathogenic (14); Likely pathogenic (1); Uncertain significance (1). 2 of the submissions do not count toward it. Last evaluated 2026-02-13.

Conditions:
COL4A5-related disorder. Also called: COL4A5-related condition.
COL4A5-related disorders.
Inborn genetic diseases. Identifiers: MedGen C0950123, MeSH D030342.
X-linked Alport syndrome (ATS1). Also called: COL4A5-Related Nephropathy; NEPHROPATHY AND DEAFNESS, X-LINKED. Identifiers: Orphanet 63, Orphanet 88917, MedGen C4746986, MONDO:0010520, OMIM 301050.
Hematuria. Identifiers: MedGen C0018965, HP:0000790.

Allele frequency attached by ClinVar (database versions not stated): ExAC below 0.00001; gnomAD exomes 0.00001.
gnomAD v4.1: 3 of 1,208,512 alleles (0.00025%); highest among the groups gnomAD compares: Non-Finnish European, 0.00011%; no homozygotes.

Submissions 1 to 10 of 18:

Genetics Laboratory, Great Ormond Street Hospital NHS Foundation Trust, North Thames Genomic Laboratory Hub
Classification: Pathogenic for Haematuria. Last evaluated: 2026-02-13. Review status: criteria provided, single submitter. Criteria: ACGS Best Practice Guidelines for Variant Classification in Rare Disease 2024 v1.2. Collection method: clinical testing. Allele origin: germline. Affected: yes.
Comment: PS4_moderate, PM2_moderate, PP3_supporting, PM1_strong, PP4_supporting

Natera, Inc.
Classification: Pathogenic for X-linked Alport syndrome. Last evaluated: 2026-01-13. Review status: criteria provided, single submitter. Criteria: Natera Variant Classification Schema (03/2026). Collection method: clinical testing. Allele origin: germline.
Comment: The c.3508G>A variant in COL4A5 is a missense variant predicted to cause substitution of glycine to serine at amino acid 1170. This variant is rare in the general population with a frequency below the threshold expected for the associated phenotype(s). This variant has been observed in affected individual(s) with monoallelic occurrence (heterozygous/hemizygous) (PMID: 25869794, 19919694, 37100867, 32703181, 31328266). Additionally, this variant has been observed to segregate in affected family members (PMID: 20378821). This variant is located in a functionally critical region of the protein. Computational prediction algorithms indicate this variant is likely to affect gene or protein function. Given the available evidence, this variant is classified as Pathogenic.

Labcorp Genetics (formerly Invitae), Labcorp
Classification: Pathogenic. Last evaluated: 2025-12-24. Review status: criteria provided, single submitter. Criteria: Invitae Variant Classification Sherloc (09022015). Collection method: clinical testing. Allele origin: germline.
Comment: This sequence change replaces glycine, which is neutral and non-polar, with serine, which is neutral and polar, at codon 1170 of the COL4A5 protein (p.Gly1170Ser). This variant is not present in population databases (gnomAD no frequency). This missense change has been observed in individuals with Alport syndrome (PMID: 10561141, 30577881; internal data). ClinVar contains an entry for this variant (Variation ID: 24638). Invitae Evidence Modeling of protein sequence and biophysical properties (such as structural, functional, and spatial information, amino acid conservation, physicochemical variation, residue mobility, and thermodynamic stability) indicates that this missense variant is expected to disrupt COL4A5 protein function with a positive predictive value of 95%. This variant disrupts the triple helix domain of COL4A5. Glycine residues within the Gly-Xaa-Yaa repeats of the triple helix domain are required for the structure and stability of fibrillar collagens (PMID: 7695699, 8218237, 19344236). In COL4A5, missense variants at these glycine residues are significantly enriched in individuals with disease (PMID: 23720012, 27627812) compared to the general population (ExAC). For these reasons, this variant has been classified as Pathogenic.

Genomic Medicine Center of Excellence, King Faisal Specialist Hospital and Research Centre
Classification: Likely pathogenic for X-linked Alport syndrome. Last evaluated: 2025-09-10. Review status: criteria provided, single submitter. Criteria: ACMG Guidelines, 2015. Collection method: clinical testing. Allele origin: germline.

Laboratory of Genetics, Children's Clinical University Hospital Latvia
Classification: Pathogenic. Last evaluated: 2025-02-16. Review status: criteria provided, single submitter. Criteria: ACMG Guidelines, 2015. Collection method: clinical testing. Allele origin: germline. Affected: yes.

Ambry Genetics
Classification: Pathogenic for Inborn genetic diseases. Last evaluated: 2024-08-14. Review status: criteria provided, single submitter. Criteria: Ambry Variant Classification Scheme 2023. Collection method: clinical testing. Allele origin: germline.
Comment: The c.3508G>A (p.G1170S) alteration is located in exon 39 (coding exon 39) of the COL4A5 gene. This alteration results from a G to A substitution at nucleotide position 3508, causing the glycine (G) at amino acid position 1170 to be replaced by a serine (S). Based on data from gnomAD, the A allele has an overall frequency of 0.001% (1/174685) total alleles studied. The highest observed frequency was 0.001% (1/77236) of European (non-Finnish) alleles. This variant was reported in multiple individuals with features consistent with Alport syndrome (Hertz, 2008; Pont-Kingdon, 2009; Zhang, 2018; Rao, 2019; Bergeron, 2024). This amino acid position is highly conserved in available vertebrate species. This alteration is predicted to be deleterious by in silico analysis. Based on the available evidence, this alteration is classified as pathogenic.

Women's Health and Genetics/Laboratory Corporation of America, LabCorp
Classification: Pathogenic for X-linked Alport syndrome. Last evaluated: 2024-02-07. Review status: criteria provided, single submitter. Criteria: LabCorp Variant Classification Summary - May 2015. Collection method: clinical testing. Allele origin: germline.
Comment: Variant summary: COL4A5 c.3508G>A (p.Gly1170Ser) results in a non-conservative amino acid change located in the collagen triple helix repeat region of the encoded protein sequence. Alterations of glycine residues within the collagen triple-helix are common mechanisms of disease. Five of five in-silico tools predict a damaging effect of the variant on protein function. The variant allele was found at a frequency of 5.7e-06 in 174685 control chromosomes (gnomAD). c.3508G>A has been reported in the literature in multiple individuals affected with X-Linked Recessive Alport Syndrome 1 (e.g. Pont-Kingdon_2009, Zhang_2018, Kim_2023). These data indicate that the variant is very likely to be associated with disease. To our knowledge, no experimental evidence demonstrating an impact on protein function has been reported. The following publications have been ascertained in the context of this evaluation (PMID: 37100867, 19919694, 30577881). ClinVar contains an entry for this variant (Variation ID: 24638). Based on the evidence outlined above, the variant was classified as pathogenic.

Blueprint Genetics
Classification: Pathogenic for COL4A5-related disorders. Last evaluated: 2022-12-16. Review status: criteria provided, single submitter. Criteria: ACMG Guidelines, 2015. Collection method: clinical testing. Allele origin: germline. Affected: yes. Observed: 3 variant alleles.

GeneDx
Classification: Pathogenic. Last evaluated: 2022-11-08. Review status: criteria provided, single submitter. Criteria: GeneDx Variant Classification Process June 2021. Collection method: clinical testing. Allele origin: germline. Affected: yes.
Comment: Affects a glycine residue in a Gly-X-Y motif in the triple helical region of the COL4A5 gene, where the majority of pathogenic missense variants occur, and is predicted to disrupt normal protein folding and function (Stenson et al., 2014; Jais et al., 2000); Not observed at significant frequency in large population cohorts (gnomAD); In silico analysis, which includes protein predictors and evolutionary conservation, supports a deleterious effect; This variant is associated with the following publications: (PMID: 19919694, 26346198, 10561141, 25869794, 30577881, 30647093, 32703181, 33712733)

Institute of Human Genetics, University of Leipzig Medical Center
Classification: Pathogenic for X-linked Alport syndrome. Last evaluated: 2022-10-24. Review status: criteria provided, single submitter. Criteria: ACMG Guidelines, 2015. Collection method: clinical testing. Allele origin: unknown. Affected: yes.
Comment: This variant was identified as hemizygous._x000D_ Criteria applied: PM5_STR, PS4_MOD, PM1, PM2_SUP, PP3, PP4

NM_033380.3(COL4A5):c.3508G>A (p.Gly1170Ser)

Gene: COL4A5 (collagen type IV alpha 5 chain; plus strand). Cytogenetic location: Xq22.3.
Variant type: single nucleotide variant.
Coding change: c.3508G>A on transcript NM_033380.3 (MANE Select); coding-DNA position 3508, G replaced by A.
Protein change: p.Gly1170Ser; replaces glycine 1170 with serine.
Molecular consequence: missense variant.
Genome position (GRCh38, 1-based): chrX:108,666,549, G>A. VCF-style: chrX-108666549-G-A. GRCh37 (hg19) VCF-style: chrX-107909779-G-A.
Other names: NM_000495.5(COL4A5):c.3508G>A; c.3508G>A, p.Gly1170Ser (NM_000495.5); c.3508G>A (NM_033380.2); short protein forms G1170S.
Identifiers: ClinVar variation 24638 (VCV000024638.34), dbSNP rs104886237, ClinGen allele CA258878.
Genomic context (GRCh38, chrX:108,666,549, plus strand): 5'-TTTTTAGGTGGTGGAGGTCATCCTGGGCAACCAGGGCCTCCAGGCGAAAAAGGCAAACCC[G>A]GTCAAGATGGTATTCCTGGACCAGCTGGACAGAAGGGTGAACCAGGTGCTGTAGTTTTTC-3'
Protein context (NP_203699.1, residues 1160-1180): PGPPGEKGKP[Gly1170Ser]QDGIPGPAGQ